The following is an entry in ClinVar:

ClinVar aggregate classification (germline): Conflicting classifications of pathogenicity. Review status: criteria provided, conflicting classifications (1 of 4 stars). 6 submissions from 5 submitters: Uncertain significance (3); Benign (2); Likely benign (1). Last evaluated 2025-11-03.

Conditions:
Lethal Kniest-like syndrome (DDSH). Also called: Dyssegmental Dysplasia. Identifiers: Orphanet 1865, MedGen C1857100, MONDO:0009140, OMIM 224410.
Schwartz-Jampel syndrome. Also called: Myotonic myopathy dwarfism chondrodystrophy and ocular and facial abnormalities. Identifiers: Orphanet 800, MedGen C0036391, MONDO:0009717.

Allele frequency attached by ClinVar (database versions not stated): TOPMed 0.00053; gnomAD exomes 0.00055; gnomAD 0.00060 and 0.00065; ExAC 0.00062; ESP Exome Variant Server 0.00085; 1000 Genomes Project 30x 0.00094; 1000 Genomes Project 0.00100.
gnomAD v4.1: 1,151 of 1,613,536 alleles (0.071%); highest among the groups gnomAD compares: Middle Eastern, 0.18%; 2 homozygotes.

Submissions (6):

Labcorp Genetics (formerly Invitae), Labcorp
Classification: Uncertain significance. Last evaluated: 2025-11-03. Review status: criteria provided, single submitter. Criteria: Invitae Variant Classification Sherloc (09022015). Collection method: clinical testing. Allele origin: germline.
Comment: This sequence change replaces arginine, which is basic and polar, with tryptophan, which is neutral and slightly polar, at codon 4086 of the HSPG2 protein (p.Arg4086Trp). This variant is present in population databases (rs146179360, gnomAD 0.1%), including at least one homozygous and/or hemizygous individual. This missense change has been observed in individual(s) with clinical features of HSPG2-related conditions (PMID: 25504735). ClinVar contains an entry for this variant (Variation ID: 875571). An algorithm developed to predict the effect of missense changes on protein structure and function (PolyPhen-2) suggests that this variant is likely to be disruptive. In summary, the available evidence is currently insufficient to determine the role of this variant in disease. Therefore, it has been classified as a Variant of Uncertain Significance.

Blueprint Genetics
Classification: Likely benign. Last evaluated: 2024-10-18. Review status: criteria provided, single submitter. Criteria: ACMG Guidelines, 2015. Collection method: clinical testing. Allele origin: germline.

GeneDx
Classification: Uncertain significance. Last evaluated: 2021-06-24. Review status: criteria provided, single submitter. Criteria: GeneDx Variant Classification Process June 2021. Collection method: clinical testing. Allele origin: germline. Affected: yes.
Comment: Identified in a patient with familial idiopathic scoliosis in published literature, however, sequencing was only performed on the HSPG2 gene and a complete genetic analysis was not completed on this individual (Baschal et al., 2015); In silico analysis, which includes protein predictors and evolutionary conservation, supports a deleterious effect; This variant is associated with the following publications: (PMID: 25504735, 27535533)

Revvity Omics, Revvity
Classification: Uncertain significance. Last evaluated: 2019-09-28. Review status: criteria provided, single submitter. Criteria: ACMG Guidelines, 2015. Collection method: clinical testing. Allele origin: germline.

Illumina Laboratory Services, Illumina
Classification: Benign for Lethal Kniest-like syndrome. Last evaluated: 2017-04-28. Review status: criteria provided, single submitter. Criteria: ICSL Variant Classification Criteria 13 December 2019. Collection method: clinical testing. Allele origin: germline.
Comment: This variant was observed as part of a predisposition screen in an ostensibly healthy population. A literature search was performed for the gene, cDNA change, and amino acid change (where applicable). Publications were found based on this search. The evidence from the literature, in combination with allele frequency data from public databases where available, was sufficient to rule this variant out of causing disease. Therefore, this variant is classified as benign.

Illumina Laboratory Services, Illumina
Classification: Benign for Schwartz-Jampel syndrome type 1. Last evaluated: 2017-04-28. Review status: criteria provided, single submitter. Criteria: ICSL Variant Classification Criteria 13 December 2019. Collection method: clinical testing. Allele origin: germline.
Comment: This variant was observed as part of a predisposition screen in an ostensibly healthy population. A literature search was performed for the gene, cDNA change, and amino acid change (where applicable). No publications were found based on this search. Allele frequency data from public databases was too high to be consistent with this variant causing disease. Therefore, this variant is classified as benign.

Literature cited by the submitters: PubMed 25504735 (cited by Labcorp Genetics (formerly Invitae), Labcorp and Illumina Laboratory Services, Illumina).

NM_005529.7(HSPG2):c.12256C>T (p.Arg4086Trp)

Gene: HSPG2 (heparan sulfate proteoglycan 2; minus strand). Cytogenetic location: 1p36.12.
Variant type: single nucleotide variant.
Coding change: c.12256C>T on transcript NM_005529.7 (MANE Select); coding-DNA position 12256, C replaced by T.
Protein change: p.Arg4086Trp; replaces arginine 4086 with tryptophan.
Molecular consequence: missense variant.
Genome position (GRCh38, 1-based): chr1:21,828,408, G>A on the plus strand (C>T on the coding strand, the complement: HSPG2 is on the minus strand). VCF-style: chr1-21828408-G-A. GRCh37 (hg19) VCF-style: chr1-22154901-G-A.
Other names: c.12259C>T, p.Arg4087Trp (NM_001291860.2); short protein forms R4087W, R4086W.
Identifiers: ClinVar variation 875571 (VCV000875571.14), dbSNP rs146179360, ClinGen allele CA669476.